The following is an entry in ClinVar:

NM_001195263.2(PDZD7):c.440_454del (p.Gly147_Lys151del)

Gene: PDZD7 (PDZ domain containing 7; minus strand). Cytogenetic location: 10q24.31.
Variant type: Deletion.
Coding change: c.440_454del on transcript NM_001195263.2 (MANE Select); coding-DNA positions 440 to 454, 15 bases deleted (GTAGCGCCGTAAAGG).
Protein change: p.Gly147_Lys151del.
Molecular consequence: inframe deletion.
Genome position (GRCh38, 1-based): chr10:101,023,524-101,023,538, CCTTTACGGCGCTAC deleted on the plus strand (GTAGCGCCGTAAAGG on the coding strand, the reverse complement: PDZD7 is on the minus strand); deleting any 15 consecutive bases within chr10:101,023,524-101,023,540 gives the same sequence; the c. name uses the placement nearest the transcript's 3' end. VCF-style (leftmost placement, unchanged base first): chr10-101023523-ACCTTTACGGCGCTAC-A. GRCh37 (hg19) VCF-style: chr10-102783280-ACCTTTACGGCGCTAC-A.
Other names: c.440_454del, p.Gly147_Lys151del (NM_001351044.2, NM_024895.5).
Identifiers: ClinVar variation 1498155 (VCV001498155.6), dbSNP rs2134099940, ClinGen allele CA2573145516.

ClinVar aggregate classification (germline): Uncertain significance (1 of 4 stars; one submission).

Submission:

Labcorp Genetics (formerly Invitae), Labcorp
Classification: Uncertain significance. Last evaluated: 2025-03-31. Review status: criteria provided, single submitter. Criteria: Invitae Variant Classification Sherloc (09022015). Collection method: clinical testing. Allele origin: germline.
Comment: This variant, c.440_454del, results in the deletion of 5 amino acid(s) of the PDZD7 protein (p.Gly147_Lys151del), but otherwise preserves the integrity of the reading frame. This variant is not present in population databases (gnomAD no frequency). This variant has not been reported in the literature in individuals affected with PDZD7-related conditions. ClinVar contains an entry for this variant (Variation ID: 1498155). Experimental studies and prediction algorithms are not available or were not evaluated, and the functional significance of this variant is currently unknown. In summary, the available evidence is currently insufficient to determine the role of this variant in disease. Therefore, it has been classified as a Variant of Uncertain Significance.